The following is an entry in ClinVar:

ClinVar aggregate classification (germline): Uncertain significance. Review status: criteria provided, multiple submitters, no conflicts (2 of 4 stars). 2 submissions from 2 submitters: Uncertain significance (2). Last evaluated 2025-07-03.

Conditions:
Myofibrillar myopathy 5. Also called: Filaminopathy (type); FILAMINOPATHY, AUTOSOMAL DOMINANT. Identifiers: Orphanet 171445, MedGen C1836050, MONDO:0012289, OMIM 609524.
Distal myopathy with posterior leg and anterior hand involvement. Also called: WILLIAMS DISTAL MYOPATHY. Identifiers: Orphanet 63273, MedGen C3279722, MONDO:0013550, OMIM 614065.
Hypertrophic cardiomyopathy 26. Also called: Cardiomyopathy, familial hypertrophic, 26. Identifiers: Orphanet 75249, MedGen C4310749, MONDO:0014883, OMIM 617047.

Allele frequency attached by ClinVar (database versions not stated): TOPMed below 0.00001.

Submissions (2):

Labcorp Genetics (formerly Invitae), Labcorp
Classification: Uncertain significance for Distal myopathy with posterior leg and anterior hand involvement; Myofibrillar myopathy 5; Hypertrophic cardiomyopathy 26. Last evaluated: 2025-07-03. Review status: criteria provided, single submitter. Criteria: Invitae Variant Classification Sherloc (09022015). Collection method: clinical testing. Allele origin: germline.
Comment: This sequence change replaces arginine, which is basic and polar, with glycine, which is neutral and non-polar, at codon 84 of the FLNC protein (p.Arg84Gly). This variant is not present in population databases (gnomAD no frequency). This variant has not been reported in the literature in individuals affected with FLNC-related conditions. ClinVar contains an entry for this variant (Variation ID: 2441486). Invitae Evidence Modeling of protein sequence and biophysical properties (such as structural, functional, and spatial information, amino acid conservation, physicochemical variation, residue mobility, and thermodynamic stability) has been performed for this missense variant. However, the output from this modeling did not meet the statistical confidence thresholds required to predict the impact of this variant on FLNC protein function. In summary, the available evidence is currently insufficient to determine the role of this variant in disease. Therefore, it has been classified as a Variant of Uncertain Significance.

Revvity Omics, Revvity
Classification: Uncertain significance. Last evaluated: 2020-07-18. Review status: criteria provided, single submitter. Criteria: ACMG Guidelines, 2015. Collection method: clinical testing. Allele origin: germline.

NM_001458.5(FLNC):c.250C>G (p.Arg84Gly)

Gene: FLNC (filamin C; plus strand). Cytogenetic location: 7q32.1.
Variant type: single nucleotide variant.
Coding change: c.250C>G on transcript NM_001458.5 (MANE Select); coding-DNA position 250, C replaced by G.
Protein change: p.Arg84Gly; replaces arginine 84 with glycine.
Molecular consequence: missense variant.
Genome position (GRCh38, 1-based): chr7:128,830,887, C>G. VCF-style: chr7-128830887-C-G. GRCh37 (hg19) VCF-style: chr7-128470941-C-G.
Other names: c.250C>G, p.Arg84Gly (NM_001127487.2); short protein forms R84G.
Identifiers: ClinVar variation 2441486 (VCV002441486.6), dbSNP rs1807860198, ClinGen allele CA369216616.